The following is an entry in ClinVar:

ClinVar aggregate classification (germline): Benign (1 of 4 stars; one submission).

Conditions:
Mitochondrial DNA depletion syndrome, encephalomyopathic form with methylmalonic aciduria (MTDPS5). Also called: Mitochondrial encephalomyopathy aminoacidopathy; MITOCHONDRIAL DNA DEPLETION SYNDROME, ENCEPHALOMYOPATHIC FORM, WITH OR WITHOUT METHYLMALONIC ACIDURIA, AUTOSOMAL RECESSIVE, SUCLA2-RELATED; Mitochondrial DNA depletion syndrome 5 (encephalomyopathic with or without methylmalonic aciduria); SUCLA2-Related Mitochondrial DNA Depletion Syndrome, Encephalomyopathic Form with Methylmalonic Aciduria. Identifiers: Orphanet 1933, MedGen C5980207, MONDO:0012791, OMIM 612073.

Allele frequency attached by ClinVar (database versions not stated): gnomAD 0.00058 and 0.00094; TOPMed 0.00075; gnomAD exomes 0.00110; 1000 Genomes Project 30x 0.00609; 1000 Genomes Project 0.00639.
gnomAD v4.1: 656 of 548,708 alleles (0.12%); highest among the groups gnomAD compares: East Asian, 0.83%; 15 homozygotes.

Submission:

Illumina Laboratory Services, Illumina
Classification: Benign for Mitochondrial DNA depletion syndrome, encephalomyopathic form with methylmalonic aciduria. Last evaluated: 2018-01-12. Review status: criteria provided, single submitter. Criteria: ICSL Variant Classification Criteria 13 December 2019. Collection method: clinical testing. Allele origin: germline.
Comment: This variant was observed in the ICSL laboratory as part of a predisposition screen in an ostensibly healthy population. It had not been previously curated by ICSL or reported in the Human Gene Mutation Database (HGMD: prior to June 1st, 2018), and was therefore a candidate for classification through an automated scoring system. Utilizing variant allele frequency, disease prevalence and penetrance estimates, and inheritance mode, an automated score was calculated to assess if this variant is too frequent to cause the disease. Based on the score and internal cut-off values, a variant classified as benign is not then subjected to further curation. The score for this variant resulted in a classification of benign for this disease.

NM_003850.3(SUCLA2):c.*205T>C

Gene: SUCLA2 (succinate-CoA ligase ADP-forming subunit beta; minus strand). Cytogenetic location: 13q14.2.
Variant type: single nucleotide variant.
Coding change: c.*205T>C on transcript NM_003850.3 (MANE Select); 205 bases downstream of the stop codon, T replaced by C.
Molecular consequence: 3 prime UTR variant.
Genome position (GRCh38, 1-based): chr13:47,943,166, A>G on the plus strand (T>C on the coding strand, the complement: SUCLA2 is on the minus strand). VCF-style: chr13-47943166-A-G. GRCh37 (hg19) VCF-style: chr13-48517301-A-G.
Identifiers: ClinVar variation 312263 (VCV000312263.5), dbSNP rs149321505, ClinGen allele CA10634439.